The following is an entry in ClinVar:

NM_000179.3(MSH6):c.1607G>T (p.Ser536Ile)

Gene: MSH6 (mutS homolog 6; plus strand). Cytogenetic location: 2p16.3.
Variant type: single nucleotide variant.
Coding change: c.1607G>T on transcript NM_000179.3 (MANE Select); coding-DNA position 1607, G replaced by T.
Protein change: p.Ser536Ile; replaces serine 536 with isoleucine.
Molecular consequence: missense variant.
Genome position (GRCh38, 1-based): chr2:47,799,590, G>T. VCF-style: chr2-47799590-G-T. GRCh37 (hg19) VCF-style: chr2-48026729-G-T.
Other names: c.1217G>T, p.Ser406Ile (NM_001281492.2); c.701G>T, p.Ser234Ile (NM_001281493.2, NM_001281494.2, NM_001406811.1 and 6 more transcripts); c.1703G>T, p.Ser568Ile (NM_001406795.1, NM_001406802.1); c.1607G>T, p.Ser536Ile (NM_001406796.1, NM_001406798.1, NM_001406800.1 and 3 more transcripts); c.1310G>T, p.Ser437Ile (NM_001406797.1, NM_001406801.1, NM_001406805.1 and 10 more transcripts); c.1082G>T, p.Ser361Ile (NM_001406799.1, NM_001406806.1, NM_001406807.1); c.1529G>T, p.Ser510Ile (NM_001406804.1); c.1613G>T, p.Ser538Ile (NM_001406813.1); and 1 more; short protein forms S234I, S536I, S510I, S361I, S406I, S437I, S480I, S538I.
Identifiers: ClinVar variation 1776320 (VCV001776320.7), dbSNP rs587782352, ClinGen allele CA346746997.
Genomic context (GRCh38, chr2:47,799,590, plus strand): 5'-TCATTACCAAGGGTACACAGACTTACAGTGTGCTGGAAGGTGATCCCTCTGAGAACTACA[G>T]TAAGTATCTTCTTAGCCTCAAAGAAAAAGAGGAAGATTCTTCTGGCCATACTCGTGCATA-3'
Protein context (NP_000170.1, residues 526-546): VLEGDPSENY[Ser536Ile]KYLLSLKEKE

ClinVar aggregate classification (germline): Uncertain significance. Review status: criteria provided, multiple submitters, no conflicts (2 of 4 stars). 2 submissions from 2 submitters: Uncertain significance (2). Last evaluated 2022-03-29.

Conditions:
Hereditary nonpolyposis colorectal neoplasms. Identifiers: MedGen C0009405, MeSH D003123.
Hereditary cancer-predisposing syndrome. Also called: Neoplastic Syndromes, Hereditary; Tumor predisposition; Hereditary Cancer Syndrome; Hereditary neoplastic syndrome. Identifiers: Orphanet 140162, MedGen C0027672, MeSH D009386, MONDO:0015356.

Submissions (2):

Labcorp Genetics (formerly Invitae), Labcorp
Classification: Uncertain significance for Hereditary nonpolyposis colorectal neoplasms. Last evaluated: 2022-03-29. Review status: criteria provided, single submitter. Criteria: Invitae Variant Classification Sherloc (09022015). Collection method: clinical testing. Allele origin: germline.
Comment: In summary, the available evidence is currently insufficient to determine the role of this variant in disease. Therefore, it has been classified as a Variant of Uncertain Significance. Advanced modeling of protein sequence and biophysical properties (such as structural, functional, and spatial information, amino acid conservation, physicochemical variation, residue mobility, and thermodynamic stability) performed at Invitae indicates that this missense variant is not expected to disrupt MSH6 protein function. This variant has not been reported in the literature in individuals affected with MSH6-related conditions. This variant is not present in population databases (gnomAD no frequency). This sequence change replaces serine, which is neutral and polar, with isoleucine, which is neutral and non-polar, at codon 536 of the MSH6 protein (p.Ser536Ile).

Ambry Genetics
Classification: Uncertain significance for Hereditary cancer-predisposing syndrome. Last evaluated: 2021-08-03. Review status: criteria provided, single submitter. Criteria: Ambry Variant Classification Scheme 2023. Collection method: clinical testing. Allele origin: germline.
Comment: The p.S536I variant (also known as c.1607G>T), located in coding exon 4 of the MSH6 gene, results from a G to T substitution at nucleotide position 1607. The serine at codon 536 is replaced by isoleucine, an amino acid with dissimilar properties. This amino acid position is not well conserved in available vertebrate species. In addition, the in silico prediction for this alteration is inconclusive. Since supporting evidence is limited at this time, the clinical significance of this alteration remains unclear.